The following is an entry in ClinVar:

NM_133372.3(FNIP1):c.254G>T (p.Gly85Val)

Gene: FNIP1 (folliculin interacting protein 1; minus strand). Cytogenetic location: 5q31.1.
Variant type: single nucleotide variant.
Coding change: c.254G>T on transcript NM_133372.3 (MANE Select); coding-DNA position 254, G replaced by T.
Protein change: p.Gly85Val; replaces glycine 85 with valine.
Molecular consequence: missense variant. On other transcripts: intron variant (1).
Genome position (GRCh38, 1-based): chr5:131,731,004, C>A on the plus strand (G>T on the coding strand, the complement: FNIP1 is on the minus strand). VCF-style: chr5-131731004-C-A. GRCh37 (hg19) VCF-style: chr5-131066697-C-A.
Other names: c.254G>T, p.Gly85Val (NM_001008738.3, NM_001346113.2); c.220-11587G>T (NM_001346114.2); short protein forms G85V.
Identifiers: ClinVar variation 2024932 (VCV002024932.4), dbSNP rs764453224, ClinGen allele CA360841113.

ClinVar aggregate classification (germline): Uncertain significance (1 of 4 stars; one submission).

Allele frequency attached by ClinVar (database versions not stated): TOPMed below 0.00001.

Submission:

Labcorp Genetics (formerly Invitae), Labcorp
Classification: Uncertain significance. Last evaluated: 2022-08-19. Review status: criteria provided, single submitter. Criteria: Invitae Variant Classification Sherloc (09022015). Collection method: clinical testing. Allele origin: germline.
Comment: This variant is not present in population databases (gnomAD no frequency). This sequence change replaces glycine, which is neutral and non-polar, with valine, which is neutral and non-polar, at codon 85 of the FNIP1 protein (p.Gly85Val). This variant has not been reported in the literature in individuals affected with FNIP1-related conditions. In summary, the available evidence is currently insufficient to determine the role of this variant in disease. Therefore, it has been classified as a Variant of Uncertain Significance. Algorithms developed to predict the effect of missense changes on protein structure and function are either unavailable or do not agree on the potential impact of this missense change (SIFT: "Deleterious"; PolyPhen-2: "Probably Damaging"; Align-GVGD: "Class C0").